The following is an entry in ClinVar:

NM_002335.4(LRP5):c.392G>A (p.Arg131His)

Gene: LRP5 (LDL receptor related protein 5; plus strand). Cytogenetic location: 11q13.2.
Variant type: single nucleotide variant.
Coding change: c.392G>A on transcript NM_002335.4 (MANE Select); coding-DNA position 392, G replaced by A.
Protein change: p.Arg131His; replaces arginine 131 with histidine.
Molecular consequence: missense variant. On other transcripts: 5 prime UTR variant (1).
Genome position (GRCh38, 1-based): chr11:68,348,147, G>A. VCF-style: chr11-68348147-G-A. GRCh37 (hg19) VCF-style: chr11-68115615-G-A.
Other names: c.-1374G>A (NM_001291902.2); c.392G>A (NM_002335.2); short protein forms R131H.
Identifiers: ClinVar variation 1008325 (VCV001008325.10), dbSNP rs773718615, ClinGen allele CA6148976.

ClinVar aggregate classification (germline): Uncertain significance. Review status: criteria provided, multiple submitters, no conflicts (2 of 4 stars). 3 submissions from 3 submitters: Uncertain significance (3). Last evaluated 2025-07-02.

Conditions:
Inborn genetic diseases. Identifiers: MedGen C0950123, MeSH D030342.

Allele frequency attached by ClinVar (database versions not stated): TOPMed below 0.00001; ExAC 0.00001; gnomAD 0.00001; gnomAD exomes 0.00001 and 0.00002.
gnomAD v4.1: 19 of 1,613,806 alleles (0.0012%); highest among the groups gnomAD compares: South Asian, 0.0044%; no homozygotes.

Submissions (3):

Labcorp Genetics (formerly Invitae), Labcorp
Classification: Uncertain significance. Last evaluated: 2025-07-02. Review status: criteria provided, single submitter. Criteria: Invitae Variant Classification Sherloc (09022015). Collection method: clinical testing. Allele origin: germline.
Comment: This sequence change replaces arginine, which is basic and polar, with histidine, which is basic and polar, at codon 131 of the LRP5 protein (p.Arg131His). This variant is present in population databases (rs773718615, gnomAD 0.01%). This variant has not been reported in the literature in individuals affected with LRP5-related conditions. ClinVar contains an entry for this variant (Variation ID: 1008325). Invitae Evidence Modeling of protein sequence and biophysical properties (such as structural, functional, and spatial information, amino acid conservation, physicochemical variation, residue mobility, and thermodynamic stability) has been performed for this missense variant. However, the output from this modeling did not meet the statistical confidence thresholds required to predict the impact of this variant on LRP5 protein function. In summary, the available evidence is currently insufficient to determine the role of this variant in disease. Therefore, it has been classified as a Variant of Uncertain Significance.

Ambry Genetics
Classification: Uncertain significance for Inborn genetic diseases. Last evaluated: 2023-11-03. Review status: criteria provided, single submitter. Criteria: Ambry Variant Classification Scheme 2023. Collection method: clinical testing. Allele origin: germline.

Blueprint Genetics
Classification: Uncertain significance. Last evaluated: 2021-12-21. Review status: criteria provided, single submitter. Criteria: ACMG Guidelines, 2015. Collection method: clinical testing. Allele origin: germline.